The following is an entry in ClinVar:

NM_000875.5(IGF1R):c.2485+3A>G

Gene: IGF1R (insulin like growth factor 1 receptor; plus strand). Cytogenetic location: 15q26.3.
Variant type: single nucleotide variant.
Coding change: c.2485+3A>G on transcript NM_000875.5 (MANE Select); 3 bases into the intron after coding-DNA position 2485, A replaced by G.
Molecular consequence: intron variant.
Genome position (GRCh38, 1-based): chr15:98,922,434, A>G. VCF-style: chr15-98922434-A-G. GRCh37 (hg19) VCF-style: chr15-99465663-A-G.
Other names: c.2485+3A>G (NM_001291858.2).
Identifiers: ClinVar variation 2788308 (VCV002788308.3), dbSNP rs2015529294, ClinGen allele CA2199294853.

ClinVar aggregate classification (germline): Uncertain significance (1 of 4 stars; one submission).

Allele frequency attached by ClinVar (database versions not stated): gnomAD exomes below 0.00001.
gnomAD v4.1: 5 of 1,608,502 alleles (0.00031%); highest among the groups gnomAD compares: Non-Finnish European, 0.00042%; no homozygotes.

Submission:

Labcorp Genetics (formerly Invitae), Labcorp
Classification: Uncertain significance. Last evaluated: 2024-01-29. Review status: criteria provided, single submitter. Criteria: Invitae Variant Classification Sherloc (09022015). Collection method: clinical testing. Allele origin: germline.
Comment: This sequence change falls in intron 11 of the IGF1R gene. It does not directly change the encoded amino acid sequence of the IGF1R protein. It affects a nucleotide within the consensus splice site. This variant is not present in population databases (gnomAD no frequency). This variant has not been reported in the literature in individuals affected with IGF1R-related conditions. Variants that disrupt the consensus splice site are a relatively common cause of aberrant splicing (PMID: 17576681, 9536098). Algorithms developed to predict the effect of sequence changes on RNA splicing suggest that this variant is not likely to affect RNA splicing. In summary, the available evidence is currently insufficient to determine the role of this variant in disease. Therefore, it has been classified as a Variant of Uncertain Significance.

Literature cited by the submitters: PubMed 17576681; PubMed 9536098.